The following is an entry in ClinVar:

ClinVar aggregate classification (germline): Uncertain significance. Review status: criteria provided, multiple submitters, no conflicts (2 of 4 stars). 2 submissions from 2 submitters: Uncertain significance (2). Last evaluated 2021-12-16.

Conditions:
Charcot-Marie-Tooth disease recessive intermediate C. Also called: CHARCOT-MARIE-TOOTH NEUROPATHY, RECESSIVE INTERMEDIATE C. Identifiers: Orphanet 369867, MedGen C3809309, MONDO:0014154, OMIM 615376.
Neuronopathy, distal hereditary motor, autosomal recessive 4. Also called: NEUROPATHY, DISTAL HEREDITARY MOTOR, AUTOSOMAL RECESSIVE 4; Autosomal recessive lower motor neuron disease with childhood onset. Identifiers: Orphanet 206580, MedGen C1970211, MONDO:0012608, OMIM 611067.
Inborn genetic diseases. Identifiers: MedGen C0950123, MeSH D030342.

Allele frequency attached by ClinVar (database versions not stated): gnomAD exomes below 0.00001; ExAC 0.00001; gnomAD 0.00001; TOPMed 0.00001.
gnomAD v4.1: 5 of 1,613,354 alleles (0.00031%); highest among the groups gnomAD compares: Admixed American, 0.0033%; no homozygotes.

Submissions (2):

Ambry Genetics
Classification: Uncertain significance for Inborn genetic diseases. Last evaluated: 2021-12-16. Review status: criteria provided, single submitter. Criteria: Ambry Variant Classification Scheme 2023. Collection method: clinical testing. Allele origin: germline.
Comment: The p.K165R variant (also known as c.494A>G), located in coding exon 6 of the PLEKHG5 gene, results from an A to G substitution at nucleotide position 494. The lysine at codon 165 is replaced by arginine, an amino acid with highly similar properties. This amino acid position is conserved. In addition, this alteration is predicted to be tolerated by in silico analysis. Since supporting evidence is limited at this time, the clinical significance of this alteration remains unclear.

Labcorp Genetics (formerly Invitae), Labcorp
Classification: Uncertain significance for Neuronopathy, distal hereditary motor, autosomal recessive 4; Charcot-Marie-Tooth disease recessive intermediate C. Last evaluated: 2021-12-01. Review status: criteria provided, single submitter. Criteria: Invitae Variant Classification Sherloc (09022015). Collection method: clinical testing. Allele origin: germline.
Comment: This sequence change replaces lysine, which is basic and polar, with arginine, which is basic and polar, at codon 165 of the PLEKHG5 protein (p.Lys165Arg). This variant is present in population databases (rs765159050, gnomAD 0.008%). This variant has not been reported in the literature in individuals affected with PLEKHG5-related conditions. Algorithms developed to predict the effect of missense changes on protein structure and function (SIFT, PolyPhen-2, Align-GVGD) all suggest that this variant is likely to be tolerated. In summary, the available evidence is currently insufficient to determine the role of this variant in disease. Therefore, it has been classified as a Variant of Uncertain Significance.

NM_020631.6(PLEKHG5):c.494A>G (p.Lys165Arg)

Gene: PLEKHG5 (pleckstrin homology and RhoGEF domain containing G5; minus strand). Cytogenetic location: 1p36.31.
Variant type: single nucleotide variant.
Coding change: c.494A>G on transcript NM_020631.6 (MANE Select); coding-DNA position 494, A replaced by G.
Protein change: p.Lys165Arg; replaces lysine 165 with arginine.
Molecular consequence: missense variant.
Genome position (GRCh38, 1-based): chr1:6,474,110, T>C on the plus strand (A>G on the coding strand, the complement: PLEKHG5 is on the minus strand). VCF-style: chr1-6474110-T-C. GRCh37 (hg19) VCF-style: chr1-6534170-T-C.
Other names: c.605A>G, p.Lys202Arg (NM_001042663.3, NM_001265592.2); c.494A>G, p.Lys165Arg (NM_001042664.2, NM_001042665.2, NM_001265594.3 and 1 more transcripts); c.701A>G, p.Lys234Arg (NM_001265593.2); short protein forms K165R, K202R, K234R.
Identifiers: ClinVar variation 1744310 (VCV001744310.4), dbSNP rs765159050, ClinGen allele CA561833.